The following is an entry in ClinVar:

ClinVar aggregate classification (germline): Pathogenic (1 of 4 stars; one submission).

Conditions:
Bardet-Biedl syndrome (BBS). Identifiers: Orphanet 110, MedGen C0752166, MONDO:0015229.

Submission:

Labcorp Genetics (formerly Invitae), Labcorp
Classification: Pathogenic for Bardet-Biedl syndrome. Last evaluated: 2019-10-30. Review status: criteria provided, single submitter. Criteria: Invitae Variant Classification Sherloc (09022015). Collection method: clinical testing. Allele origin: germline.
Comment: This variant is an out-of-frame deletion of the genomic region encompassing exons 6-7 of the BBS5 gene. This is expected to create a premature translational stop signal and result in an absent or disrupted protein product. A similar deletion of exons 6-7 has been reported in an individual affected with Bardet-Biedl syndrome (PMID: 21344540). This variant is also known as c.387-618del232 in the literature. Loss-of-function variants in BBS5 are known to be pathogenic (PMID: 15137946). For these reasons, this variant has been classified as Pathogenic.

Literature cited by the submitters: PubMed 21344540.

NC_000002.12:g.(?_169492874)_(169493836_?)del

Gene: BBS5 (Bardet-Biedl syndrome 5; plus strand). Cytogenetic location: 2q31.1.
Variant type: Deletion.
Identifiers: ClinVar variation 832168 (VCV000832168.1).